The following is an entry in ClinVar:

NM_139319.3(SLC17A8):c.1578C>T (p.Asp526=)

Gene: SLC17A8 (solute carrier family 17 member 8; plus strand). Cytogenetic location: 12q23.1.
Variant type: single nucleotide variant.
Coding change: c.1578C>T on transcript NM_139319.3 (MANE Select); coding-DNA position 1578, C replaced by T.
Protein change: p.Asp526=; no amino-acid change (aspartic acid 526 retained).
Molecular consequence: synonymous variant.
Genome position (GRCh38, 1-based): chr12:100,419,967, C>T. VCF-style: chr12-100419967-C-T. GRCh37 (hg19) VCF-style: chr12-100813745-C-T.
Other names: c.1428C>T, p.Asp476= (NM_001145288.2).
Identifiers: ClinVar variation 499505 (VCV000499505.23), dbSNP rs141294063, ClinGen allele CA6739057.
Genomic context (GRCh38, chr12:100,419,967, plus strand): 5'-ACAGGAGTGGGCTGACCCAGAGAATCTCTCTGAGGAGAAATGTGGAATCATTGACCAGGA[C>T]GAATTAGCTGAGGAGATAGAACTCAACCATGAGAGTTTTGCGAGTCCCAAAAAGAAGATG-3'
Protein context (NP_647480.1, residues 516-536): SEEKCGIIDQ[Asp526=]ELAEEIELNH

ClinVar aggregate classification (germline): Conflicting classifications of pathogenicity. Review status: criteria provided, conflicting classifications (1 of 4 stars). 3 submissions from 3 submitters: Uncertain significance (1); Likely benign (2). Last evaluated 2024-12-01.

Allele frequency attached by ClinVar (database versions not stated): ExAC 0.00002; gnomAD exomes 0.00002; TOPMed 0.00004; ESP Exome Variant Server 0.00008.
gnomAD v4.1: 18 of 1,613,876 alleles (0.0011%); highest among the groups gnomAD compares: Admixed American, 0.01%; no homozygotes.

Submissions (3):

CeGaT Center for Human Genetics Tuebingen
Classification: Likely benign. Last evaluated: 2024-12-01. Review status: criteria provided, single submitter. Criteria: CeGaT Center For Human Genetics Tuebingen Variant Classification Criteria Version 2. Collection method: clinical testing. Allele origin: germline. Affected: yes. Observed: 1 variant allele.
Comment: SLC17A8: BP4, BP7

Labcorp Genetics (formerly Invitae), Labcorp
Classification: Likely benign. Last evaluated: 2023-08-04. Review status: criteria provided, single submitter. Criteria: Invitae Variant Classification Sherloc (09022015). Collection method: clinical testing. Allele origin: germline.

Eurofins Ntd Llc (ga)
Classification: Uncertain significance. Last evaluated: 2017-01-20. Review status: criteria provided, single submitter. Criteria: EGL Classification Definitions 2015. Collection method: clinical testing. Allele origin: germline. Observed: 1 variant allele, 1 heterozygote.